The following is an entry in ClinVar:

NM_005476.7(GNE):c.1070+1G>A

Gene: GNE (glucosamine (UDP-N-acetyl)-2-epimerase/N-acetylmannosamine kinase; minus strand). Cytogenetic location: 9p13.3.
Variant type: single nucleotide variant.
Coding change: c.1070+1G>A on transcript NM_005476.7 (MANE Select); the canonical splice donor site of the intron after coding-DNA position 1070, G replaced by A.
Molecular consequence: splice donor variant.
Genome position (GRCh38, 1-based): chr9:36,229,020, C>T on the plus strand (G>A on the coding strand, the complement: GNE is on the minus strand). VCF-style: chr9-36229020-C-T. GRCh37 (hg19) VCF-style: chr9-36229017-C-T.
Other names: c.893+1G>A (NM_001190388.2, NM_001374798.1); c.1163+1G>A (NM_001128227.3); c.740+1G>A (NM_001190384.3); c.917+1G>A (NM_001374797.1); c.1070+1G>A (NM_001190383.3).
Identifiers: ClinVar variation 4814596 (VCV004814596.1).

ClinVar aggregate classification (germline): Likely pathogenic (1 of 4 stars; one submission).

Conditions:
GNE myopathy (NM). Also called: MYOPATHY, DISTAL, WITH OR WITHOUT RIMMED VACUOLES; IBM 2; Inclusion body myopathy autosomal recessive; Inclusion body myopathy quadriceps sparing; NONAKA DISTAL MYOPATHY; INCLUSION BODY MYOPATHY, HEREDITARY, AUTOSOMAL RECESSIVE. Identifiers: Orphanet 602, MedGen C1853926, MONDO:0011603, OMIM 605820.

gnomAD v4.1: 1 of 1,555,802 alleles (0.000064%); highest among the groups gnomAD compares: Non-Finnish European, 0.000089%; no homozygotes.

Submission:

Natera, Inc.
Classification: Likely pathogenic for Nonaka myopathy. Last evaluated: 2025-02-04. Review status: criteria provided, single submitter. Criteria: Natera Variant Classification Schema (03/2026). Collection method: clinical testing. Allele origin: germline.
Comment: The c.1163+1G>A variant in GNE is a canonical splice donor site variant predicted to affect pre-mRNA splicing, which may result in an abnormal transcript and altered protein product. This variant is expected to result in nonsense mediated decay, truncation, or a dysfunctional protein product. This variant is rare in the general population with a frequency below the threshold expected for the associated phenotype(s). Given the available evidence, this variant is classified as Likely Pathogenic.